The following is an entry in ClinVar:

NM_057175.5(NAA15):c.476A>G (p.His159Arg)

Gene: NAA15 (N-alpha-acetyltransferase 15, NatA auxiliary subunit; plus strand). Cytogenetic location: 4q31.1.
Variant type: single nucleotide variant.
Coding change: c.476A>G on transcript NM_057175.5 (MANE Select); coding-DNA position 476, A replaced by G.
Protein change: p.His159Arg; replaces histidine 159 with arginine.
Molecular consequence: missense variant.
Genome position (GRCh38, 1-based): chr4:139,342,899, A>G. VCF-style: chr4-139342899-A-G. GRCh37 (hg19) VCF-style: chr4-140264053-A-G.
Other names: c.476A>G, p.His159Arg (NM_001410842.1, NM_025085.2); short protein forms H159R.
Identifiers: ClinVar variation 2887551 (VCV002887551.3), dbSNP rs1326505688, ClinGen allele CA358260152.

ClinVar aggregate classification (germline): Uncertain significance (1 of 4 stars; one submission).

Allele frequency attached by ClinVar (database versions not stated): TOPMed below 0.00001.
gnomAD v4.1: 12 of 1,613,482 alleles (0.00074%); highest among the groups gnomAD compares: Admixed American, 0.0067%; no homozygotes.

Submission:

Labcorp Genetics (formerly Invitae), Labcorp
Classification: Uncertain significance. Last evaluated: 2024-01-08. Review status: criteria provided, single submitter. Criteria: Invitae Variant Classification Sherloc (09022015). Collection method: clinical testing. Allele origin: germline.
Comment: This sequence change replaces histidine, which is basic and polar, with arginine, which is basic and polar, at codon 159 of the NAA15 protein (p.His159Arg). This variant is present in population databases (no rsID available, gnomAD 0.009%). This variant has not been reported in the literature in individuals affected with NAA15-related conditions. An algorithm developed to predict the effect of missense changes on protein structure and function (PolyPhen-2) suggests that this variant is likely to be disruptive. In summary, the available evidence is currently insufficient to determine the role of this variant in disease. Therefore, it has been classified as a Variant of Uncertain Significance.